The following is an entry in ClinVar:

NM_004281.4(BAG3):c.1420G>A (p.Ala474Thr)

Gene: BAG3 (BAG cochaperone 3; plus strand). Cytogenetic location: 10q26.11.
Variant type: single nucleotide variant.
Coding change: c.1420G>A on transcript NM_004281.4 (MANE Select); coding-DNA position 1420, G replaced by A.
Protein change: p.Ala474Thr; replaces alanine 474 with threonine.
Molecular consequence: missense variant.
Genome position (GRCh38, 1-based): chr10:119,676,974, G>A. VCF-style: chr10-119676974-G-A. GRCh37 (hg19) VCF-style: chr10-121436486-G-A.
Other names: short protein forms A474T.
Identifiers: ClinVar variation 1391750 (VCV001391750.6), dbSNP rs2134069318, ClinGen allele CA378297280.

ClinVar aggregate classification (germline): Uncertain significance (1 of 4 stars; one submission).

Conditions:
Myofibrillar myopathy 6. Identifiers: Orphanet 199340, MedGen C2751831, MONDO:0013061, OMIM 612954.
Dilated cardiomyopathy 1HH (CMD1HH). Identifiers: Orphanet 154, MedGen C3151293, MONDO:0013479, OMIM 613881.

Allele frequency attached by ClinVar (database versions not stated): gnomAD exomes below 0.00001.
gnomAD v4.1: 4 of 1,614,194 alleles (0.00025%); highest among the groups gnomAD compares: Non-Finnish European, 0.00034%; no homozygotes.

Submission:

Labcorp Genetics (formerly Invitae), Labcorp
Classification: Uncertain significance for Dilated cardiomyopathy 1HH; Myofibrillar myopathy 6. Last evaluated: 2023-12-22. Review status: criteria provided, single submitter. Criteria: Invitae Variant Classification Sherloc (09022015). Collection method: clinical testing. Allele origin: germline.
Comment: This sequence change replaces alanine, which is neutral and non-polar, with threonine, which is neutral and polar, at codon 474 of the BAG3 protein (p.Ala474Thr). This variant is not present in population databases (gnomAD no frequency). This variant has not been reported in the literature in individuals affected with BAG3-related conditions. ClinVar contains an entry for this variant (Variation ID: 1391750). Advanced modeling of protein sequence and biophysical properties (such as structural, functional, and spatial information, amino acid conservation, physicochemical variation, residue mobility, and thermodynamic stability) performed at Invitae indicates that this missense variant is not expected to disrupt BAG3 protein function with a negative predictive value of 80%. In summary, the available evidence is currently insufficient to determine the role of this variant in disease. Therefore, it has been classified as a Variant of Uncertain Significance.